The following is an entry in ClinVar:

ClinVar aggregate classification (germline): Uncertain significance (1 of 4 stars; one submission).

Conditions:
Combined oxidative phosphorylation defect type 13. Also called: Combined oxidative phosphorylation deficiency 13. Identifiers: Orphanet 319514, MedGen C4706283, MONDO:0013977, OMIM 614932.

Submission:

Broad Center for Mendelian Genomics, Broad Institute of MIT and Harvard
Classification: Uncertain significance for Combined oxidative phosphorylation defect type 13. Last evaluated: 2024-11-22. Review status: criteria provided, single submitter. Criteria: ACMG Guidelines, 2015. Collection method: curation. Allele origin: germline. Inheritance: Autosomal recessive inheritance. Study: GREGoR Consortium.
Comment: The phase of these variants are unknown at this time. The p.Arg358Thr variant in PNPT1 has not been previously reported in the literature in individuals with combined oxidative phosphorylation defect type 13, and was absent from large population studies. A high-throughput splicing assay predicted exon skipping, which would alter the protein’s amino acid sequence and lead to a premature termination codon. This alteration is then predicted to lead to a truncated or absent protein. This variant is located in the first base of the exon, which is part of the 5' splice region. Computational tools do suggest an impact to splicing. However, this information is not predictive enough to determine pathogenicity. Loss of function of the PNPT1 gene is an established disease mechanism in autosomal recessive combined oxidative phosphorylation defect type 13. In summary, the clinical significance of the p.Arg358Thr variant is uncertain. ACMG/AMP Criteria applied: PVS1_strong, PM2_supporting (Richards 2015).

NM_033109.5(PNPT1):c.1073G>C (p.Arg358Thr)

Gene: PNPT1 (polyribonucleotide nucleotidyltransferase 1; minus strand). Cytogenetic location: 2p16.1.
Variant type: single nucleotide variant.
Coding change: c.1073G>C on transcript NM_033109.5 (MANE Select); coding-DNA position 1073, G replaced by C.
Protein change: p.Arg358Thr; replaces arginine 358 with threonine.
Molecular consequence: missense variant.
Genome position (GRCh38, 1-based): chr2:55,667,862, C>G on the plus strand (G>C on the coding strand, the complement: PNPT1 is on the minus strand). VCF-style: chr2-55667862-C-G. GRCh37 (hg19) VCF-style: chr2-55894997-C-G.
Other names: NM_033109.5:c.1073G>C; short protein forms R358T.
Identifiers: ClinVar variation 3383282 (VCV003383282.1).
Genomic context (GRCh38, chr2:55,667,862, plus strand): 5'-TTCAAGGCAACTTGCAGAGACAGTGCATACTTCAATTTCAACAAAAAAGGGTATGTTTAC[C>G]TTTTGTATTCATTCAAAACAATACTTCTAAAAACTTCCTTTGCAACAACATTGAAGGATT-3'
Protein context (NP_149100.2, residues 348-368): FRSIVLNEYK[Arg358Thr]CDGRDLTSLR